The following is an entry in ClinVar:

NM_001148.6(ANK2):c.5737C>T (p.Arg1913Cys)

Genes: ANK2 (ankyrin 2; plus strand), LOC126807136 (MED14-independent group 3 enhancer GRCh37_chr4:114274931-114276130; plus strand). Cytogenetic location: 4q26.
Variant type: single nucleotide variant.
Coding change: c.5737C>T on transcript NM_001148.6 (MANE Select); coding-DNA position 5737, C replaced by T.
Protein change: p.Arg1913Cys; replaces arginine 1913 with cysteine.
Molecular consequence: missense variant. On other transcripts: intron variant (68).
Genome position (GRCh38, 1-based): chr4:113,354,355, C>T. VCF-style: chr4-113354355-C-T. GRCh37 (hg19) VCF-style: chr4-114275511-C-T.
Other names: c.5503C>T, p.Arg1835Cys (NM_001386142.1); c.2137C>T, p.Arg713Cys (NM_001386166.1); c.5878C>T, p.Arg1960Cys (NM_001386174.1); c.5854C>T, p.Arg1952Cys (NM_001386175.1); c.4411+4106C>T (NM_001386186.2, NM_001386148.2); c.4213+4106C>T (NM_001354269.3); c.4291+4106C>T (NM_001386187.2); c.4252+4106C>T (NM_001386147.1); and 35 more; short protein forms R1913C, R1835C, R1952C, R1960C, R713C.
Identifiers: ClinVar variation 846786 (VCV000846786.10), dbSNP rs147547363, ClinGen allele CA3051280.
Genomic context (GRCh38, chr4:113,354,355, plus strand): 5'-GTGTCATCTACAAAAACAGAAAGACACCCACCTGTTTCGCCTTCAGGCAAAACAGACAAA[C>T]GTCCACCTGTATCGCCCTCCGGGAGGACAGAAAAACACCCGCCAGTATCGCCTGGGAGAA-3'
Protein context (NP_001139.3, residues 1903-1923): PVSPSGKTDK[Arg1913Cys]PPVSPSGRTE

ClinVar aggregate classification (germline): Uncertain significance. Review status: criteria provided, multiple submitters, no conflicts (2 of 4 stars). 3 submissions from 3 submitters: Uncertain significance (3). Last evaluated 2025-05-15.

Conditions:
Cardiovascular phenotype. Identifiers: MedGen CN230736.
Long QT syndrome (LQTS). Identifiers: MedGen C0023976, MeSH D008133, MONDO:0002442. Disease mechanism: loss of function. Inheritance: Various modes of inheritance.
Cardiac arrhythmia, ankyrin-B-related. Also called: ANKYRIN-B SYNDROME. Identifiers: Orphanet 101016, Orphanet 768, MedGen C1970119, MONDO:0010958, OMIM 600919.

Allele frequency attached by ClinVar (database versions not stated): gnomAD exomes 0.00001; ExAC 0.00002; TOPMed 0.00001; gnomAD 0.00002; ESP Exome Variant Server 0.00008.
gnomAD v4.1: 13 of 1,613,966 alleles (0.00081%); highest among the groups gnomAD compares: Middle Eastern, 0.016%; no homozygotes.

Submissions (3):

Labcorp Genetics (formerly Invitae), Labcorp
Classification: Uncertain significance for Long QT syndrome. Last evaluated: 2025-05-15. Review status: criteria provided, single submitter. Criteria: Invitae Variant Classification Sherloc (09022015). Collection method: clinical testing. Allele origin: germline.
Comment: This sequence change replaces arginine, which is basic and polar, with cysteine, which is neutral and slightly polar, at codon 1913 of the ANK2 protein (p.Arg1913Cys). This variant is present in population databases (rs147547363, gnomAD 0.008%). This variant has not been reported in the literature in individuals affected with ANK2-related conditions. ClinVar contains an entry for this variant (Variation ID: 846786). An algorithm developed to predict the effect of missense changes on protein structure and function (PolyPhen-2) suggests that this variant is likely to be disruptive. In summary, the available evidence is currently insufficient to determine the role of this variant in disease. Therefore, it has been classified as a Variant of Uncertain Significance.

Ambry Genetics
Classification: Uncertain significance for Cardiovascular phenotype. Last evaluated: 2022-03-24. Review status: criteria provided, single submitter. Criteria: Ambry Variant Classification Scheme 2023. Collection method: clinical testing. Allele origin: germline.
Comment: The p.R1913C variant (also known as c.5737C>T), located in coding exon 38 of the ANK2 gene, results from a C to T substitution at nucleotide position 5737. The arginine at codon 1913 is replaced by cysteine, an amino acid with highly dissimilar properties. This amino acid position is conserved. In addition, this alteration is predicted to be tolerated by in silico analysis. Since supporting evidence is limited at this time, the clinical significance of this alteration remains unclear.

Fulgent Genetics
Classification: Uncertain significance for Cardiac arrhythmia, ankyrin-B-related. Last evaluated: 2022-02-07. Review status: criteria provided, single submitter. Criteria: ACMG Guidelines, 2015. Collection method: clinical testing. Allele origin: unknown.